The following is an entry in ClinVar:

ClinVar aggregate classification (germline): Pathogenic/Likely pathogenic. Review status: criteria provided, multiple submitters, no conflicts (2 of 4 stars). 2 submissions from 2 submitters: Pathogenic (1); Likely pathogenic (1). Last evaluated 2024-11-01.

Submissions (2):

Revvity Omics, Revvity
Classification: Likely pathogenic. Last evaluated: 2024-11-01. Review status: criteria provided, single submitter. Criteria: ACMG Guidelines, 2015. Collection method: clinical testing. Allele origin: germline.

Labcorp Genetics (formerly Invitae), Labcorp
Classification: Pathogenic. Last evaluated: 2023-08-07. Review status: criteria provided, single submitter. Criteria: Invitae Variant Classification Sherloc (09022015). Collection method: clinical testing. Allele origin: germline.
Comment: This sequence change creates a premature translational stop signal (p.His275Thrfs*22) in the SLC4A1 gene. It is expected to result in an absent or disrupted protein product. Loss-of-function variants in SLC4A1 are known to be pathogenic (PMID: 8943874, 10926824, 23255290). This variant is not present in population databases (gnomAD no frequency). This variant has not been reported in the literature in individuals affected with SLC4A1-related conditions. For these reasons, this variant has been classified as Pathogenic.

Literature cited by the submitters: PubMed 8943874 (cited by Labcorp Genetics (formerly Invitae), Labcorp); PubMed 10926824 (cited by Labcorp Genetics (formerly Invitae), Labcorp); PubMed 23255290 (cited by Labcorp Genetics (formerly Invitae), Labcorp).

NM_000342.4(SLC4A1):c.823del (p.His275fs)

Gene: SLC4A1 (solute carrier family 4 member 1 (Diego blood group); minus strand). Cytogenetic location: 17q21.31.
Variant type: Deletion.
Coding change: c.823del on transcript NM_000342.4 (MANE Select); coding-DNA position 823, one base deleted (C; older notation c.823delC).
Protein change: p.His275fs; shifts the reading frame from histidine 275.
Molecular consequence: frameshift variant.
Genome position (GRCh38, 1-based): chr17:44,259,216, G deleted on the plus strand (C on the coding strand, the reverse complement: SLC4A1 is on the minus strand); the first of 6 consecutive G bases (chr17:44,259,216-44,259,221); deleting any one gives the same sequence. VCF-style (leftmost placement, unchanged base first): chr17-44259215-TG-T. GRCh37 (hg19) VCF-style: chr17-42336583-TG-T.
Other names: short protein forms H275fs.
Identifiers: ClinVar variation 2751056 (VCV002751056.4), dbSNP rs2509968342, ClinGen allele CA2697559952.